The following is an entry in ClinVar:

NM_004415.4(DSP):c.1699A>C (p.Lys567Gln)

Gene: DSP (desmoplakin; plus strand). Cytogenetic location: 6p24.3.
Variant type: single nucleotide variant.
Coding change: c.1699A>C on transcript NM_004415.4 (MANE Select); coding-DNA position 1699, A replaced by C.
Protein change: p.Lys567Gln; replaces lysine 567 with glutamine.
Molecular consequence: missense variant.
Genome position (GRCh38, 1-based): chr6:7,570,561, A>C. VCF-style: chr6-7570561-A-C. GRCh37 (hg19) VCF-style: chr6-7570794-A-C.
Other names: c.1699A>C, p.Lys567Gln (NM_001008844.3, NM_001319034.2); short protein forms K567Q.
Identifiers: ClinVar variation 3069685 (VCV003069685.2), dbSNP rs2533890759, ClinGen allele CA362678528.

ClinVar aggregate classification (germline): Uncertain significance. Review status: criteria provided, multiple submitters, no conflicts (2 of 4 stars). 2 submissions from 2 submitters: Uncertain significance (2). Last evaluated 2025-06-23.

Conditions:
Cardiomyopathy (CMYO). Also called: Cardiomyopathies. Identifiers: Orphanet 167848, MedGen C0878544, MONDO:0004994, HP:0001638. Inheritance: Various modes of inheritance.
Arrhythmogenic cardiomyopathy with wooly hair and keratoderma. Also called: Carvajal syndrome; PALMOPLANTAR KERATODERMA WITH LEFT VENTRICULAR CARDIOMYOPATHY AND WOOLLY HAIR; Dilated cardiomyopathy with woolly hair and keratoderma; Arrhythmogenic cardiomyopathy with woolly hair and keratoderma. Identifiers: Orphanet 65282, MedGen C1854063, MONDO:0011581, OMIM 605676.

Submissions (2):

Color Diagnostics, LLC DBA Color Health
Classification: Uncertain significance for Cardiomyopathy. Last evaluated: 2025-06-23. Review status: criteria provided, single submitter. Criteria: ACMG Guidelines, 2015. Collection method: clinical testing. Allele origin: germline.
Comment: This missense variant replaces lysine with glutamine at codon 567 of the DSP protein. Computational prediction suggests that this variant may not impact protein structure and function. To our knowledge, functional studies have not been reported for this variant. This variant has not been reported in individuals affected with DSP-related disorders in the literature. This variant has not been identified in the general population by the Genome Aggregation Database (gnomAD). The available evidence is insufficient to determine the role of this variant in disease conclusively. Therefore, this variant is classified as a Variant of Uncertain Significance.

All of Us Research Program, National Institutes of Health
Classification: Uncertain significance for Arrhythmogenic cardiomyopathy with wooly hair and keratoderma. Last evaluated: 2023-02-24. Review status: criteria provided, single submitter. Criteria: ACMG Guidelines, 2015. Collection method: clinical testing. Allele origin: germline. Inheritance: Autosomal dominant inheritance. Observed: 1 variant allele, 1 heterozygote.
Comment: This missense variant replaces lysine with glutamine at codon 567 of the DSP protein. Computational prediction suggests that this variant may not impact protein structure and function (internally defined REVEL score threshold <= 0.5, PMID: 27666373). To our knowledge, functional studies have not been reported for this variant. This variant has not been reported in individuals affected with DSP-related disorders in the literature. This variant has not been identified in the general population by the Genome Aggregation Database (gnomAD). The available evidence is insufficient to determine the role of this variant in disease conclusively. Therefore, this variant is classified as a Variant of Uncertain Significance.

This study involves interpretation of variants in research participants for the purpose of population health screening. Participant phenotype was not available at the time of variant classification. Additional details can be found in publication PMID: 35346344, PMCID: PMC8962531